The following is an entry in ClinVar:

ClinVar aggregate classification (germline): Uncertain significance (1 of 4 stars; one submission).

Allele frequency attached by ClinVar (database versions not stated): gnomAD exomes below 0.00001; gnomAD 0.00002; TOPMed 0.00001.
gnomAD v4.1: 6 of 1,608,602 alleles (0.00037%); highest among the groups gnomAD compares: African/African-American, 0.0067%; no homozygotes.

Submission:

Labcorp Genetics (formerly Invitae), Labcorp
Classification: Uncertain significance. Last evaluated: 2025-05-05. Review status: criteria provided, single submitter. Criteria: Invitae Variant Classification Sherloc (09022015). Collection method: clinical testing. Allele origin: germline.
Comment: This sequence change replaces histidine, which is basic and polar, with aspartic acid, which is acidic and polar, at codon 23 of the NFKB1 protein (p.His23Asp). This variant is present in population databases (no rsID available, gnomAD 0.008%). This variant has not been reported in the literature in individuals affected with NFKB1-related conditions. ClinVar contains an entry for this variant (Variation ID: 2020844). An algorithm developed to predict the effect of missense changes on protein structure and function (PolyPhen-2) suggests that this variant is likely to be tolerated. In summary, the available evidence is currently insufficient to determine the role of this variant in disease. Therefore, it has been classified as a Variant of Uncertain Significance.

NM_003998.4(NFKB1):c.67C>G (p.His23Asp)

Gene: NFKB1 (nuclear factor kappa B subunit 1; plus strand). Cytogenetic location: 4q24.
Variant type: single nucleotide variant.
Coding change: c.67C>G on transcript NM_003998.4 (MANE Select); coding-DNA position 67, C replaced by G.
Protein change: p.His23Asp; replaces histidine 23 with aspartic acid.
Molecular consequence: missense variant.
Genome position (GRCh38, 1-based): chr4:102,529,863, C>G. VCF-style: chr4-102529863-C-G. GRCh37 (hg19) VCF-style: chr4-103451020-C-G.
Other names: c.67C>G, p.His23Asp (NM_001165412.2, NM_001319226.2, NM_001382625.1 and 2 more transcripts); c.28C>G, p.His10Asp (NM_001382628.1); short protein forms H10D, H23D.
Identifiers: ClinVar variation 2020844 (VCV002020844.4), dbSNP rs1347167148, ClinGen allele CA357957363.